The following is an entry in ClinVar:

ClinVar aggregate classification (germline): Likely benign (0 of 4 stars; one submission).

Conditions:
MKS1-related disorder. Also called: MKS1-related disorders; MKS1-related condition. Identifiers: MedGen CN239382.

Allele frequency attached by ClinVar (database versions not stated): gnomAD 0.00028; TOPMed 0.00033; gnomAD exomes 0.00046.
gnomAD v4.1: 414 of 958,234 alleles (0.043%); highest among the groups gnomAD compares: South Asian, 0.069%; no homozygotes.

Submission:

PreventionGenetics, part of Exact Sciences
Classification: Likely benign for MKS1-related condition. Last evaluated: 2021-09-22. Review status: no assertion criteria provided. Collection method: clinical testing. Allele origin: germline.
Comment: This variant is classified as likely benign based on ACMG/AMP sequence variant interpretation guidelines (Richards et al. 2015 PMID: 25741868, with internal and published modifications).

NM_017777.4(MKS1):c.262-151T>A

Gene: MKS1 (MKS transition zone complex subunit 1; minus strand). Cytogenetic location: 17q22.
Variant type: single nucleotide variant.
Coding change: c.262-151T>A on transcript NM_017777.4 (MANE Select); 151 bases into the intron before coding-DNA position 262, T replaced by A.
Molecular consequence: intron variant.
Genome position (GRCh38, 1-based): chr17:58,216,394, A>T on the plus strand (T>A on the coding strand, the complement: MKS1 is on the minus strand). VCF-style: chr17-58216394-A-T. GRCh37 (hg19) VCF-style: chr17-56293755-A-T.
Other names: c.-250-151T>A (NM_001321268.2); c.262-151T>A (NM_001330397.2, NM_001321269.2, NM_001411113.1).
Identifiers: ClinVar variation 3058941 (VCV003058941.2), dbSNP rs769986460, ClinGen allele CA292014835.